The following is an entry in ClinVar:

ClinVar aggregate classification (germline): Conflicting classifications of pathogenicity. Review status: criteria provided, conflicting classifications (1 of 4 stars). 9 submissions from 9 submitters: Uncertain significance (2); Benign (3); Likely benign (3). 1 of the submissions does not count toward it. Last evaluated 2026-08-01.

Conditions:
Cardiovascular phenotype. Identifiers: MedGen CN230736.
Familial hypercholesterolemia. Also called: Familial hypercholesterolaemia; Familial hypercholesterolemias. Identifiers: MedGen C0020445, MONDO:0005439.
Hypercholesterolemia, autosomal dominant, 3 (FHCL3). Also called: Familial hypercholesterolemia 3; PCSK9-Related Familial Hypercholesterolemia, Autosomal Dominant; Familial Hypercholesterolemia, Autosomal Dominant, 3. Identifiers: MedGen C1863551, MONDO:0011369, OMIM 603776.
Low density lipoprotein cholesterol level quantitative trait locus 1 (LDLCQ1). Identifiers: MedGen C3276239.

Allele frequency attached by ClinVar (database versions not stated): gnomAD exomes 0.00007 and 0.00019; ExAC 0.00027; gnomAD 0.00048; TOPMed 0.00092; 1000 Genomes Project 0.00140; 1000 Genomes Project 30x 0.00187.
gnomAD v4.1: 239 of 1,614,194 alleles (0.015%); highest among the groups gnomAD compares: African/African-American, 0.29%; no homozygotes.

Submissions (9):

GeneDx
Classification: Uncertain significance. Last evaluated: 2026-08-01. Review status: criteria provided, single submitter. Criteria: GeneDx Variant Classification Process June 2021. Collection method: clinical testing. Allele origin: germline.
Comment: Reported in individuals with significantly reduced plasma levels of LDL-C in published literature (PMID: 15654334, 16554528, 16465619, 16989838, 17599443, 18652535, 20031607, 18436227); Functional studies show that the p.(Tyr142Ter) variant results in impaired PCSK9 secretion (PMID: 19351729, 16909389); Nonsense variant predicted to result in protein truncation or nonsense mediated decay in a gene or region of a gene for which loss of function is not a well-established mechanism of disease; This variant is associated with the following publications: (PMID: 16554528, 18652535, 24507774, 20031607, 22995991, 19351729, 22344438, 25525159, 27602404, 15654334, 16465619, 16909389, 15358785, 16989838, 17599443, 17215125, 18436227, 26241468, 29447211, 24507775, 31511398, 31999032, 30726226, 31589614, 32719484, 31345219, 32009526, 33563358, 34108472, 25904937, 39590347, 42253317, 28768753, 39928272, 41073127, 27422940)

Labcorp Genetics (formerly Invitae), Labcorp
Classification: Likely benign for Hypercholesterolemia, autosomal dominant, 3. Last evaluated: 2026-02-04. Review status: criteria provided, single submitter. Criteria: Invitae Variant Classification Sherloc (09022015). Collection method: clinical testing. Allele origin: germline.

Women's Health and Genetics/Laboratory Corporation of America, LabCorp
Classification: Uncertain significance. Last evaluated: 2024-08-07. Review status: criteria provided, single submitter. Criteria: LabCorp Variant Classification Summary - May 2015. Collection method: clinical testing. Allele origin: germline.
Comment: Variant summary: PCSK9 c.426C>G (p.Tyr142X) results in a premature termination codon, predicted to cause a truncation of the encoded protein or absence of the protein due to nonsense mediated decay, which are commonly known mechanisms for disease. This was confirmed by publication reports presenting experimental evidence on decreased mRNA and protein levels, implicating a loss-of-function mutation (Cohen 2005, Zhao 2006). The most pronounced variant effect results in <10% of normal activity. This variant was found in 60/277188 control chromosomes in gnomAD, predominantly observed in the African subpopulation at a frequency of 0.0024 (57/24018). However, it is unknown whether individuals were ruled out for hypocholesterolemia in gnomAD. The c.426C>G has been reported in the literature in multiple individuals affected by Hypocholesterolemia (Peloso 2014) who were predominantly of African origin. In a large case-cohort study, this variant was found to be associated with 40% reduction in plasma levels of LDL cholesterol (Cohen 2006). Although this variant is likely to confer protection against coronary artery disease due to its LDLC reducing effect (Peloso 2014), other clinical conditions including cardiovascular effects might manifest as result of the hypocholesterolemia amongst the individuals who carry this variant, e.g. recently it was found that out of 3 individuals with complete PCSK9 deficiency (each compound heterozygote for PCSK9 p.Y142X and p.C679X) two individuals had a coronary artery calcification score (CAC) greater than the 80th percentile for their age and sex, despite that they had a lower median LDL-C (64.2 mg/dL) than individuals who carry only one null mutation (85.7 mg/dL) (Peloso 2016). Hypocholesterolemia has been reported to result in other symptoms (PMID 20626336). The following publications have been ascertained in the context of this evaluation (PMID: 16554528, 15654334, 18436227, 20031607, 24507774, 27422940, 25904937, 16909389). ClinVar contains an entry for this variant (Variation ID: 2876). Based on the evidence outlined above, the variant was classified as uncertain significance.

Blueprint Genetics
Classification: Likely benign. Last evaluated: 2024-06-05. Review status: criteria provided, single submitter. Criteria: ACMG Guidelines, 2015. Collection method: clinical testing. Allele origin: germline.

Ambry Genetics
Classification: Benign for Cardiovascular phenotype. Last evaluated: 2024-04-06. Review status: criteria provided, single submitter. Criteria: Ambry Variant Classification Scheme 2023. Collection method: clinical testing. Allele origin: germline.

Mendelics
Classification: Benign for Hypercholesterolemia, autosomal dominant, 3. Last evaluated: 2023-08-22. Review status: criteria provided, single submitter. Criteria: Mendelics Assertion Criteria 2019. Collection method: clinical testing. Allele origin: germline.

Color Diagnostics, LLC DBA Color Health
Classification: Benign for Familial hypercholesterolemia. Last evaluated: 2022-01-01. Review status: criteria provided, single submitter. Criteria: ACMG Guidelines, 2015. Collection method: clinical testing. Allele origin: germline.

Illumina Laboratory Services, Illumina
Classification: Likely benign for Hypercholesterolemia, autosomal dominant, 3. Last evaluated: 2018-01-23. Review status: criteria provided, single submitter. Criteria: ICSL Variant Classification Criteria 13 December 2019. Collection method: clinical testing. Allele origin: germline.
Comment: This variant was observed as part of a predisposition screen in an ostensibly healthy population. A literature search was performed for the gene, cDNA change, and amino acid change (where applicable). Publications were found based on this search. The evidence from the literature, in combination with allele frequency data from public databases where available, was sufficient to determine this variant is unlikely to cause disease. Therefore, this variant is classified as likely benign.

OMIM
Classification: association for LOW DENSITY LIPOPROTEIN CHOLESTEROL LEVEL QUANTITATIVE TRAIT LOCUS 1. Last evaluated: 2006-03-23. Review status: no assertion criteria provided. Collection method: literature only. Allele origin: germline. Not counted in ClinVar's aggregate classification.

Literature cited by the submitters: PubMed 16554528 (cited by 4 submitters); PubMed 15654334 (cited by 4 submitters); PubMed 18436227 (cited by Women's Health and Genetics/Laboratory Corporation of America, LabCorp); PubMed 20031607 (cited by 3 submitters); PubMed 16909389 (cited by Women's Health and Genetics/Laboratory Corporation of America, LabCorp and Ambry Genetics); PubMed 25904937 (cited by Women's Health and Genetics/Laboratory Corporation of America, LabCorp); PubMed 24507774 (cited by 3 submitters); PubMed 27422940 (cited by Women's Health and Genetics/Laboratory Corporation of America, LabCorp); PubMed 16465619 (cited by Ambry Genetics); PubMed 19351729 (cited by Ambry Genetics and Illumina Laboratory Services, Illumina); PubMed 22344438 (cited by Ambry Genetics and Illumina Laboratory Services, Illumina); PubMed 22995991 (cited by Ambry Genetics and Illumina Laboratory Services, Illumina); PubMed 27602404 (cited by Ambry Genetics); PubMed 28768753 (cited by Ambry Genetics); PubMed 25525159 (cited by Illumina Laboratory Services, Illumina).

NM_174936.4(PCSK9):c.426C>G (p.Tyr142Ter)

Gene: PCSK9 (proprotein convertase subtilisin/kexin type 9; plus strand). Cytogenetic location: 1p32.3.
Variant type: single nucleotide variant.
Coding change: c.426C>G on transcript NM_174936.4 (MANE Select); coding-DNA position 426, C replaced by G.
Protein change: p.Tyr142Ter; replaces tyrosine 142 with a stop codon.
Molecular consequence: nonsense.
Genome position (GRCh38, 1-based): chr1:55,046,549, C>G. VCF-style: chr1-55046549-C-G. GRCh37 (hg19) VCF-style: chr1-55512222-C-G.
Other names: short protein forms Y142*.
Identifiers: ClinVar variation 2876 (VCV000002876.34), dbSNP rs67608943, ClinGen allele CA023156.